The following is an entry in ClinVar:

ClinVar aggregate classification (germline): Uncertain significance. Review status: criteria provided, multiple submitters, no conflicts (2 of 4 stars). 3 submissions from 3 submitters: Uncertain significance (3). Last evaluated 2025-07-23.

Allele frequency attached by ClinVar (database versions not stated): TOPMed 0.00043.
gnomAD v4.1: 95 of 1,605,728 alleles (0.0059%); highest among the groups gnomAD compares: African/African-American, 0.13%; no homozygotes.

Submissions (3):

Women's Health and Genetics/Laboratory Corporation of America, LabCorp
Classification: Uncertain significance. Last evaluated: 2025-07-23. Review status: criteria provided, single submitter. Criteria: LabCorp Variant Classification Summary - May 2015. Collection method: clinical testing. Allele origin: germline.
Comment: Variant summary: OBSL1 c.3677C>G (p.Pro1226Arg) results in a non-conservative amino acid change in the encoded protein sequence. Algorithms developed to predict the effect of missense changes on protein structure and function are either unavailable or do not agree on the potential impact of this missense change. The variant allele was found at a frequency of 7.4e-05 in 229014 control chromosomes. This frequency is not significantly higher than estimated for a pathogenic variant in OBSL1 causing Three M Syndrome 2 (7.4e-05 vs 0.0011), allowing no conclusion about variant significance. To our knowledge, no occurrence of c.3677C>G in individuals affected with Three M Syndrome 2 and no experimental evidence demonstrating its impact on protein function have been reported. ClinVar contains an entry for this variant (Variation ID: 1011339). Based on the evidence outlined above, the variant was classified as uncertain significance.

GeneDx
Classification: Uncertain significance. Last evaluated: 2025-04-18. Review status: criteria provided, single submitter. Criteria: GeneDx Variant Classification Process June 2021. Collection method: clinical testing. Allele origin: germline. Affected: yes.
Comment: In silico analysis indicates that this missense variant does not alter protein structure/function; Has not been previously published as pathogenic or benign to our knowledge

Labcorp Genetics (formerly Invitae), Labcorp
Classification: Uncertain significance. Last evaluated: 2022-08-23. Review status: criteria provided, single submitter. Criteria: Invitae Variant Classification Sherloc (09022015). Collection method: clinical testing. Allele origin: germline.
Comment: This sequence change replaces proline, which is neutral and non-polar, with arginine, which is basic and polar, at codon 1226 of the OBSL1 protein (p.Pro1226Arg). This variant is present in population databases (rs778594059, gnomAD 0.09%). This variant has not been reported in the literature in individuals affected with OBSL1-related conditions. ClinVar contains an entry for this variant (Variation ID: 1011339). Algorithms developed to predict the effect of missense changes on protein structure and function are either unavailable or do not agree on the potential impact of this missense change (SIFT: "Tolerated"; PolyPhen-2: "Probably Damaging"; Align-GVGD: "Class C0"). In summary, the available evidence is currently insufficient to determine the role of this variant in disease. Therefore, it has been classified as a Variant of Uncertain Significance.

NM_015311.3(OBSL1):c.3677C>G (p.Pro1226Arg)

Gene: OBSL1 (obscurin like cytoskeletal adaptor 1; minus strand). Cytogenetic location: 2q35.
Variant type: single nucleotide variant.
Coding change: c.3677C>G on transcript NM_015311.3 (MANE Select); coding-DNA position 3677, C replaced by G.
Protein change: p.Pro1226Arg; replaces proline 1226 with arginine.
Molecular consequence: missense variant.
Genome position (GRCh38, 1-based): chr2:219,557,936, G>C on the plus strand (C>G on the coding strand, the complement: OBSL1 is on the minus strand). VCF-style: chr2-219557936-G-C. GRCh37 (hg19) VCF-style: chr2-220422658-G-C.
Other names: c.3677C>G (NM_015311.2); c.3677C>G, p.Pro1226Arg (NM_001173431.2); short protein forms P1226R.
Identifiers: ClinVar variation 1011339 (VCV001011339.8), dbSNP rs778594059, ClinGen allele CA2130785.